The following is an entry in ClinVar:

ClinVar aggregate classification (germline): Uncertain significance (1 of 4 stars; one submission).

Submission:

Labcorp Genetics (formerly Invitae), Labcorp
Classification: Uncertain significance. Last evaluated: 2025-10-21. Review status: criteria provided, single submitter. Criteria: Invitae Variant Classification Sherloc (09022015). Collection method: clinical testing. Allele origin: germline.
Comment: This sequence change replaces aspartic acid, which is acidic and polar, with asparagine, which is neutral and polar, at codon 755 of the RBM10 protein (p.Asp755Asn). This variant is not present in population databases (gnomAD no frequency). This missense change has been observed in individual(s) with TARP syndrome (PMID: 33120471). Invitae Evidence Modeling of protein sequence and biophysical properties (such as structural, functional, and spatial information, amino acid conservation, physicochemical variation, residue mobility, and thermodynamic stability) has been performed for this missense variant. However, the output from this modeling did not meet the statistical confidence thresholds required to predict the impact of this variant on RBM10 protein function. In summary, the available evidence is currently insufficient to determine the role of this variant in disease. Therefore, it has been classified as a Variant of Uncertain Significance.

Literature cited by the submitters: PubMed 33120471.

NM_005676.5(RBM10):c.2263G>A (p.Asp755Asn)

Gene: RBM10 (RNA binding motif protein 10; plus strand). Cytogenetic location: Xp11.3.
Variant type: single nucleotide variant.
Coding change: c.2263G>A on transcript NM_005676.5 (MANE Select); coding-DNA position 2263, G replaced by A.
Protein change: p.Asp755Asn; replaces aspartic acid 755 with asparagine.
Molecular consequence: missense variant.
Genome position (GRCh38, 1-based): chrX:47,185,538, G>A. VCF-style: chrX-47185538-G-A. GRCh37 (hg19) VCF-style: chrX-47044937-G-A.
Other names: c.2032G>A, p.Asp678Asn (NM_001204466.2); c.2260G>A, p.Asp754Asn (NM_001204467.2); c.2458G>A, p.Asp820Asn (NM_001204468.2); c.2455G>A, p.Asp819Asn (NM_001440861.1); c.2227G>A, p.Asp743Asn (NM_001440862.1); c.2224G>A, p.Asp742Asn (NM_001440863.1); c.2029G>A, p.Asp677Asn (NM_152856.3); short protein forms D677N, D678N, D755N, D820N, D819N, D742N, D743N, D754N.
Identifiers: ClinVar variation 4763911 (VCV004763911.1).